The following is an entry in ClinVar:

NM_001370259.2(MEN1):c.40C>T (p.Arg14Cys)

Gene: MEN1 (menin 1; minus strand). Cytogenetic location: 11q13.1.
Variant type: single nucleotide variant.
Coding change: c.40C>T on transcript NM_001370259.2 (MANE Select); coding-DNA position 40, C replaced by T.
Protein change: p.Arg14Cys; replaces arginine 14 with cysteine.
Molecular consequence: missense variant.
Genome position (GRCh38, 1-based): chr11:64,810,070, G>A on the plus strand (C>T on the coding strand, the complement: MEN1 is on the minus strand). VCF-style: chr11-64810070-G-A. GRCh37 (hg19) VCF-style: chr11-64577542-G-A.
Other names: c.40C>T, p.Arg14Cys (NM_130804.3, NM_000244.4, NM_001370251.2 and 9 more transcripts); short protein forms R14C.
Identifiers: ClinVar variation 643569 (VCV000643569.12), dbSNP rs1209178117, ClinGen allele CA16622057.

ClinVar aggregate classification (germline): Uncertain significance. Review status: criteria provided, multiple submitters, no conflicts (2 of 4 stars). 2 submissions from 2 submitters: Uncertain significance (2). Last evaluated 2025-10-03.

Conditions:
Hereditary cancer-predisposing syndrome. Also called: Neoplastic Syndromes, Hereditary; Hereditary Cancer Syndrome; Hereditary neoplastic syndrome; Tumor predisposition. Identifiers: Orphanet 140162, MedGen C0027672, MeSH D009386, MONDO:0015356.
Multiple endocrine neoplasia, type 1 (MEN1). Also called: MEA I; MEN I; WERMER SYNDROME; Endocrine adenomatosis multiple; MEN 1. Identifiers: Orphanet 652, MedGen C0025267, MeSH D018761, MONDO:0007540, OMIM 131100.

gnomAD v4.1: 1 of 1,603,060 alleles (0.000062%); highest among the groups gnomAD compares: South Asian, 0.0011%; no homozygotes.

Submissions (2):

Ambry Genetics
Classification: Uncertain significance for Hereditary cancer-predisposing syndrome. Last evaluated: 2025-10-03. Review status: criteria provided, single submitter. Criteria: Ambry Variant Classification Scheme 2023. Collection method: clinical testing. Allele origin: germline.
Comment: The p.R14C variant (also known as c.40C>T), located in coding exon 1 of the MEN1 gene, results from a C to T substitution at nucleotide position 40. The arginine at codon 14 is replaced by cysteine, an amino acid with highly dissimilar properties. This amino acid position is well conserved in available vertebrate species. In addition, this alteration is predicted to be deleterious by in silico analysis. Since supporting evidence is limited at this time, the clinical significance of this alteration remains unclear.

Labcorp Genetics (formerly Invitae), Labcorp
Classification: Uncertain significance for Multiple endocrine neoplasia, type 1. Last evaluated: 2025-03-13. Review status: criteria provided, single submitter. Criteria: Invitae Variant Classification Sherloc (09022015). Collection method: clinical testing. Allele origin: germline.
Comment: This sequence change replaces arginine, which is basic and polar, with cysteine, which is neutral and slightly polar, at codon 14 of the MEN1 protein (p.Arg14Cys). This variant is not present in population databases (gnomAD no frequency). This variant has not been reported in the literature in individuals affected with MEN1-related conditions. ClinVar contains an entry for this variant (Variation ID: 643569). Invitae Evidence Modeling of protein sequence and biophysical properties (such as structural, functional, and spatial information, amino acid conservation, physicochemical variation, residue mobility, and thermodynamic stability) indicates that this missense variant is not expected to disrupt MEN1 protein function with a negative predictive value of 80%. In summary, the available evidence is currently insufficient to determine the role of this variant in disease. Therefore, it has been classified as a Variant of Uncertain Significance.